The following is an entry in ClinVar:

ClinVar aggregate classification (germline): Uncertain significance (1 of 4 stars; one submission).

Conditions:
Combined immunodeficiency due to ZAP70 deficiency (IMD48). Also called: ZAP70 Deficiency; Immunodeficiency 48. Identifiers: Orphanet 911, MedGen C2931299, MONDO:0010023, OMIM 269840.

Allele frequency attached by ClinVar (database versions not stated): TOPMed below 0.00001.

Submission:

Labcorp Genetics (formerly Invitae), Labcorp
Classification: Uncertain significance for Combined immunodeficiency due to ZAP70 deficiency. Last evaluated: 2022-10-03. Review status: criteria provided, single submitter. Criteria: Invitae Variant Classification Sherloc (09022015). Collection method: clinical testing. Allele origin: germline.
Comment: This sequence change falls in intron 3 of the ZAP70 gene. It does not directly change the encoded amino acid sequence of the ZAP70 protein. It affects a nucleotide within the consensus splice site. This variant is not present in population databases (gnomAD no frequency). This variant has not been reported in the literature in individuals affected with ZAP70-related conditions. Variants that disrupt the consensus splice site are a relatively common cause of aberrant splicing (PMID: 17576681, 9536098). Algorithms developed to predict the effect of sequence changes on RNA splicing suggest that this variant may create or strengthen a splice site. In summary, the available evidence is currently insufficient to determine the role of this variant in disease. Therefore, it has been classified as a Variant of Uncertain Significance.

Literature cited by the submitters: PubMed 17576681; PubMed 9536098.

NM_001079.4(ZAP70):c.402+4A>T

Gene: ZAP70 (zeta chain of T cell receptor associated protein kinase 70; plus strand). Cytogenetic location: 2q11.2.
Variant type: single nucleotide variant.
Coding change: c.402+4A>T on transcript NM_001079.4 (MANE Select); 4 bases into the intron after coding-DNA position 402, A replaced by T.
Molecular consequence: intron variant.
Genome position (GRCh38, 1-based): chr2:97,724,442, A>T. VCF-style: chr2-97724442-A-T. GRCh37 (hg19) VCF-style: chr2-98340905-A-T.
Other names: c.402+4A>T (NM_001378594.1).
Identifiers: ClinVar variation 1899049 (VCV001899049.4), dbSNP rs1677293332, ClinGen allele CA1273116319.
Genomic context (GRCh38, chr2:97,724,442, plus strand): 5'-GACTGCCTGCGAGACGCCATGGTGCGTGACTACGTGCGCCAGACGTGGAAGCTGGAGGTG[A>T]GAGCGCAGCCTGGGGCGCGGGGTCTGGAGGGGCGTGGCCGAAGAGGGGCAGTCGAGGGTT-3'